The following is an entry in ClinVar:

NM_000388.4(CASR):c.809T>A (p.Phe270Tyr)

Gene: CASR (calcium sensing receptor; plus strand). Cytogenetic location: 3q21.1.
Variant type: single nucleotide variant.
Coding change: c.809T>A on transcript NM_000388.4 (MANE Select); coding-DNA position 809, T replaced by A.
Protein change: p.Phe270Tyr; replaces phenylalanine 270 with tyrosine.
Molecular consequence: missense variant.
Genome position (GRCh38, 1-based): chr3:122,261,844, T>A. VCF-style: chr3-122261844-T-A. GRCh37 (hg19) VCF-style: chr3-121980691-T-A.
Other names: c.809T>A, p.Phe270Tyr (NM_001178065.2); short protein forms F270Y.
Identifiers: ClinVar variation 3758697 (VCV003758697.2).

ClinVar aggregate classification (germline): Uncertain significance (1 of 4 stars; one submission).

Conditions:
Autosomal dominant hypocalcemia 1 (HYPOC1). Also called: HYPOCALCEMIA, FAMILIAL. Identifiers: MedGen C3715128, MONDO:0011013, OMIM 601198.
Familial hypocalciuric hypercalcemia (FHH). Also called: Familial benign hypercalcemia. Identifiers: Orphanet 405, MedGen C1809471, MONDO:0018458.

gnomAD v4.1: 1 of 1,614,210 alleles (0.000062%); highest among the groups gnomAD compares: Non-Finnish European, 0.000085%; no homozygotes.

Submission:

Labcorp Genetics (formerly Invitae), Labcorp
Classification: Uncertain significance for Familial hypocalciuric hypercalcemia; Autosomal dominant hypocalcemia 1. Last evaluated: 2024-05-04. Review status: criteria provided, single submitter. Criteria: Invitae Variant Classification Sherloc (09022015). Collection method: clinical testing. Allele origin: germline.
Comment: This sequence change replaces phenylalanine, which is neutral and non-polar, with tyrosine, which is neutral and polar, at codon 270 of the CASR protein (p.Phe270Tyr). This variant is not present in population databases (gnomAD no frequency). This variant has not been reported in the literature in individuals affected with CASR-related conditions. An algorithm developed to predict the effect of missense changes on protein structure and function (PolyPhen-2) suggests that this variant is likely to be disruptive. In summary, the available evidence is currently insufficient to determine the role of this variant in disease. Therefore, it has been classified as a Variant of Uncertain Significance.